The following is an entry in ClinVar:

NM_000548.5(TSC2):c.467T>G (p.Leu156Trp)

Gene: TSC2 (TSC complex subunit 2; plus strand). Cytogenetic location: 16p13.3.
Variant type: single nucleotide variant.
Coding change: c.467T>G on transcript NM_000548.5 (MANE Select); coding-DNA position 467, T replaced by G.
Protein change: p.Leu156Trp; replaces leucine 156 with tryptophan.
Molecular consequence: missense variant. On other transcripts: intron variant (1).
Genome position (GRCh38, 1-based): chr16:2,054,426, T>G. VCF-style: chr16-2054426-T-G. GRCh37 (hg19) VCF-style: chr16-2104427-T-G.
Other names: c.467T>G, p.Leu156Trp (NM_001077183.3, NM_001114382.3, NM_001363528.2 and 8 more transcripts); c.356T>G, p.Leu119Trp (NM_001318827.2, NM_001406670.1, NM_001406678.1); c.320T>G, p.Leu107Trp (NM_001318829.2, NM_001406675.1, NM_001406676.1 and 1 more transcripts); c.500T>G, p.Leu167Trp (NM_001318832.2); c.557T>G, p.Leu186Trp (NM_001406667.1, NM_001406668.1); c.410T>G, p.Leu137Trp (NM_001406677.1); c.-350T>G (NM_001406680.1, NM_001406683.1, NM_001406687.1); c.22T>G, p.Trp8Gly (NM_001406681.1); and 6 more; short protein forms L107W, L119W, L137W, L156W, L167W, L186W, W8G.
Identifiers: ClinVar variation 1720789 (VCV001720789.5), dbSNP rs2548417898, ClinGen allele CA394308510.

ClinVar aggregate classification (germline): Uncertain significance (1 of 4 stars; one submission).

Conditions:
Tuberous sclerosis 2 (TSC2). Identifiers: Orphanet 805, MedGen C1860707, MONDO:0013199, OMIM 613254.

Submission:

Labcorp Genetics (formerly Invitae), Labcorp
Classification: Uncertain significance for Tuberous sclerosis 2. Last evaluated: 2022-10-01. Review status: criteria provided, single submitter. Criteria: Invitae Variant Classification Sherloc (09022015). Collection method: clinical testing. Allele origin: germline.
Comment: This sequence change replaces leucine, which is neutral and non-polar, with tryptophan, which is neutral and slightly polar, at codon 156 of the TSC2 protein (p.Leu156Trp). This variant is not present in population databases (gnomAD no frequency). In summary, the available evidence is currently insufficient to determine the role of this variant in disease. Therefore, it has been classified as a Variant of Uncertain Significance. Advanced modeling of protein sequence and biophysical properties (such as structural, functional, and spatial information, amino acid conservation, physicochemical variation, residue mobility, and thermodynamic stability) performed at Invitae indicates that this missense variant is not expected to disrupt TSC2 protein function. This variant has not been reported in the literature in individuals affected with TSC2-related conditions.